The following is an entry in ClinVar:

ClinVar aggregate classification (germline): Conflicting classifications of pathogenicity. Review status: criteria provided, conflicting classifications (1 of 4 stars). 6 submissions from 6 submitters: Pathogenic (1); Likely pathogenic (1); Uncertain significance (2). 2 of the submissions do not count toward it. Last evaluated 2025-01-14.

Conditions:
Familial hypocalciuric hypercalcemia 1. Also called: Hypercalcemia, familial benign type 1. Identifiers: Orphanet 405, Orphanet 93372, MedGen C0342637, MONDO:0007791, OMIM 145980.
Familial hyperparathyroidism or Hypocalciuric hypercalcaemia.
CASR-related disorder. Also called: CASR-related condition.
Familial hypocalciuric hypercalcemia (FHH). Also called: Familial benign hypercalcemia. Identifiers: Orphanet 405, MedGen C1809471, MONDO:0018458.
Autosomal dominant hypocalcemia 1 (HYPOC1). Also called: HYPOCALCEMIA, FAMILIAL. Identifiers: MedGen C3715128, MONDO:0011013, OMIM 601198.

gnomAD v4.1: 1 of 1,613,962 alleles (0.000062%); highest among the groups gnomAD compares: Non-Finnish European, 0.000085%; no homozygotes.

Submissions (6):

Women's Health and Genetics/Laboratory Corporation of America, LabCorp
Classification: Uncertain significance. Last evaluated: 2025-01-14. Review status: criteria provided, single submitter. Criteria: LabCorp Variant Classification Summary - May 2015. Collection method: clinical testing. Allele origin: germline.
Comment: Variant summary: CASR c.1288G>A (p.Ala430Thr) results in a non-conservative amino acid change located in the Receptor, ligand binding region (IPR001828) of the encoded protein sequence. Five of five in-silico tools predict a damaging effect of the variant on protein function. The variant was absent in 251228 control chromosomes (gnomAD). c.1288G>A has been reported in the literature in three individuals affected with Autosomal Dominant Hypocalcemia (Nissen_2019, Dershem_2020). These data indicate that the variant may be associated with disease. At least one publication reports experimental evidence evaluating an impact on protein function. The most pronounced variant effect results in about 50% reduction in proper plasma membrane localization in transfected HEK293 cells and increased EC50 calcium concentration to stimulate calcium influx (Dershem_2020). The following publications have been ascertained in the context of this evaluation (PMID: 31433865, 32386559). ClinVar contains an entry for this variant (Variation ID: 1472797). Based on the evidence outlined above, the variant was classified as VUS-possibly pathogenic.

Labcorp Genetics (formerly Invitae), Labcorp
Classification: Uncertain significance for Familial hypocalciuric hypercalcemia; Autosomal dominant hypocalcemia 1. Last evaluated: 2024-07-24. Review status: criteria provided, single submitter. Criteria: Invitae Variant Classification Sherloc (09022015). Collection method: clinical testing. Allele origin: germline.
Comment: This sequence change replaces alanine, which is neutral and non-polar, with threonine, which is neutral and polar, at codon 430 of the CASR protein (p.Ala430Thr). This variant is not present in population databases (gnomAD no frequency). This missense change has been observed in individual(s) with hypercalcemia (PMID: 31433865, 32386559). ClinVar contains an entry for this variant (Variation ID: 1472797). An algorithm developed to predict the effect of missense changes on protein structure and function (PolyPhen-2) suggests that this variant is likely to be disruptive. Experimental studies have shown that this missense change affects CASR function (PMID: 32386559). In summary, the available evidence is currently insufficient to determine the role of this variant in disease. Therefore, it has been classified as a Variant of Uncertain Significance.

Blueprint Genetics
Classification: Likely pathogenic for CASR-related disorders. Last evaluated: 2024-02-06. Review status: criteria provided, single submitter. Criteria: ACMG Guidelines, 2015. Collection method: clinical testing. Allele origin: germline. Affected: yes. Observed: 2 variant alleles.

Cardiovascular Genetics Laboratory, PathWest Laboratory Medicine WA - Fiona Stanley Hospital
Classification: Pathogenic for Familial hypocalciuric hypercalcemia 1. Last evaluated: 2023-02-10. Review status: criteria provided, single submitter. Criteria: ACMG Guidelines, 2015. Collection method: clinical testing. Allele origin: germline. Affected: yes.
Comment: The CASR p.Ala430Thr missense variant is absent from the gnomAD population database (~250,000 alleles). It has previously been reported in FHH (PMID:31433865, 32386559) and in vitro studies have demonstrated that CASR Ala430Thr is a loss-of-function variant with reduced total and plasma membrane protein levels relative to wild-type CASR, and altered response to calcium ion concentrations (PMID:32386559).

Exeter Genomics Laboratory, Royal Devon University Healthcare NHS Foundation Trust
Classification: Likely pathogenic for Familial hyperparathyroidism or Hypocalciuric hypercalcaemia. Last evaluated: 2025-06-19. Review status: no assertion criteria provided. Collection method: clinical testing. Allele origin: germline. Affected: yes. Not counted in ClinVar's aggregate classification.

PreventionGenetics, part of Exact Sciences
Classification: Likely pathogenic for CASR-related condition. Last evaluated: 2023-11-28. Review status: no assertion criteria provided. Collection method: clinical testing. Allele origin: germline. Not counted in ClinVar's aggregate classification.
Comment: The CASR c.1288G>A variant is predicted to result in the amino acid substitution p.Ala430Thr. This variant was reported in at least two individuals with hypercalcaemia (Nissen et al. 2019. PubMed ID: 31433865; Hlaing et al. 2019. PubMed ID: 30963668). This variant was also reported in two additional patients with borderline hypercalcaemia (Dershem et al. 2020. PubMed ID: 32386559). An alternative nucleotide variant affecting the same amino acid (c.1289C>T, p.Ala430Val) has also been reported in an individual with familial hypocalciuric hypercalcemia (Vargas-Poussou et al. 2016. PubMed ID: 26963950). The c.1288G>A (p.Ala430Thr) variant has not been reported in a large population database, indicating this variant is rare. We interpret this variant as likely pathogenic.

Literature cited by the submitters: PubMed 31433865 (cited by 3 submitters); PubMed 32386559 (cited by 3 submitters).

NM_000388.4(CASR):c.1288G>A (p.Ala430Thr)

Gene: CASR (calcium sensing receptor; plus strand). Cytogenetic location: 3q21.1.
Variant type: single nucleotide variant.
Coding change: c.1288G>A on transcript NM_000388.4 (MANE Select); coding-DNA position 1288, G replaced by A.
Protein change: p.Ala430Thr; replaces alanine 430 with threonine.
Molecular consequence: missense variant.
Genome position (GRCh38, 1-based): chr3:122,262,323, G>A. VCF-style: chr3-122262323-G-A. GRCh37 (hg19) VCF-style: chr3-121981170-G-A.
Other names: c.1288G>A, p.Ala430Thr (NM_001178065.2); c.1288G>A (NM_001178065.1); short protein forms A430T.
Identifiers: ClinVar variation 1472797 (VCV001472797.16), dbSNP rs201520875, ClinGen allele CA82739075.